The following is an entry in ClinVar:

NM_004522.3(KIF5C):c.1355A>C (p.Gln452Pro)

Gene: KIF5C (kinesin family member 5C; plus strand). Cytogenetic location: 2q23.1.
Variant type: single nucleotide variant.
Coding change: c.1355A>C on transcript NM_004522.3 (MANE Select); coding-DNA position 1355, A replaced by C.
Protein change: p.Gln452Pro; replaces glutamine 452 with proline.
Molecular consequence: missense variant. On other transcripts: non-coding transcript variant (1).
Genome position (GRCh38, 1-based): chr2:148,978,983, A>C. VCF-style: chr2-148978983-A-C. GRCh37 (hg19) VCF-style: chr2-149835497-A-C.
Other names: short protein forms Q452P.
Identifiers: ClinVar variation 3573621 (VCV003573621.1).

ClinVar aggregate classification (germline): Uncertain significance (1 of 4 stars; one submission).

Submission:

GeneDx
Classification: Uncertain significance. Last evaluated: 2024-07-15. Review status: criteria provided, single submitter. Criteria: GeneDx Variant Classification Process June 2021. Collection method: clinical testing. Allele origin: germline. Affected: yes.
Comment: Not observed at significant frequency in large population cohorts (gnomAD); In silico analysis supports that this missense variant has a deleterious effect on protein structure/function; Has not been previously published as pathogenic or benign to our knowledge